The following is an entry in ClinVar:

NM_002076.4(GNS):c.896T>C (p.Val299Ala)

Gene: GNS (glucosamine (N-acetyl)-6-sulfatase; minus strand). Cytogenetic location: 12q14.3.
Variant type: single nucleotide variant.
Coding change: c.896T>C on transcript NM_002076.4 (MANE Select); coding-DNA position 896, T replaced by C.
Protein change: p.Val299Ala; replaces valine 299 with alanine.
Molecular consequence: missense variant.
Genome position (GRCh38, 1-based): chr12:64,739,479, A>G on the plus strand (T>C on the coding strand, the complement: GNS is on the minus strand). VCF-style: chr12-64739479-A-G. GRCh37 (hg19) VCF-style: chr12-65133259-A-G.
Other names: c.896T>C (NM_002076.3); short protein forms V299A.
Identifiers: ClinVar variation 2154149 (VCV002154149.4), dbSNP rs752339367, ClinGen allele CA6669804.

ClinVar aggregate classification (germline): Uncertain significance. Review status: criteria provided, multiple submitters, no conflicts (2 of 4 stars). 2 submissions from 2 submitters: Uncertain significance (2). Last evaluated 2025-09-25.

Conditions:
Mucopolysaccharidosis, MPS-III-D (MPS3D). Also called: N-ACETYLGLUCOSAMINE-6-SULFATASE DEFICIENCY; SANFILIPPO SYNDROME D; MPS III D; Mucopoly-saccharidosis type 3D; N-acetylglucosamine-6-sulfate sulfatase deficiency; MPS 3D. Identifiers: Orphanet 581, Orphanet 79272, MedGen C0086650, MONDO:0009658, OMIM 252940.
Inborn genetic diseases. Identifiers: MedGen C0950123, MeSH D030342.

Allele frequency attached by ClinVar (database versions not stated): ExAC 0.00001; gnomAD exomes 0.00001; gnomAD 0.00005.
gnomAD v4.1: 16 of 1,602,188 alleles (0.001%); highest among the groups gnomAD compares: African/African-American, 0.015%; no homozygotes.

Submissions (2):

Ambry Genetics
Classification: Uncertain significance for Inborn genetic diseases. Last evaluated: 2025-09-25. Review status: criteria provided, single submitter. Criteria: Ambry Variant Classification Scheme 2023. Collection method: clinical testing. Allele origin: germline.

Labcorp Genetics (formerly Invitae), Labcorp
Classification: Uncertain significance for Mucopolysaccharidosis, MPS-III-D. Last evaluated: 2022-07-19. Review status: criteria provided, single submitter. Criteria: Invitae Variant Classification Sherloc (09022015). Collection method: clinical testing. Allele origin: germline.
Comment: This sequence change replaces valine, which is neutral and non-polar, with alanine, which is neutral and non-polar, at codon 299 of the GNS protein (p.Val299Ala). This variant is present in population databases (rs752339367, gnomAD 0.03%). This variant has not been reported in the literature in individuals affected with GNS-related conditions. Algorithms developed to predict the effect of missense changes on protein structure and function (SIFT, PolyPhen-2, Align-GVGD) all suggest that this variant is likely to be disruptive. In summary, the available evidence is currently insufficient to determine the role of this variant in disease. Therefore, it has been classified as a Variant of Uncertain Significance.